The following is an entry in ClinVar:

NM_000426.4(LAMA2):c.7301-174G>A

Gene: LAMA2 (laminin subunit alpha 2; plus strand). Cytogenetic location: 6q22.33.
Variant type: single nucleotide variant.
Coding change: c.7301-174G>A on transcript NM_000426.4 (MANE Select); 174 bases into the intron before coding-DNA position 7301, G replaced by A.
Molecular consequence: intron variant.
Genome position (GRCh38, 1-based): chr6:129,473,040, G>A. VCF-style: chr6-129473040-G-A. GRCh37 (hg19) VCF-style: chr6-129794185-G-A.
Other names: c.7301-174G>A (NM_001079823.2).
Identifiers: ClinVar variation 678284 (VCV000678284.1), dbSNP rs56978194, ClinGen allele CA146898262.

ClinVar aggregate classification (germline): Benign (1 of 4 stars; one submission).

Allele frequency attached by ClinVar (database versions not stated): gnomAD 0.01625 and 0.01750; 1000 Genomes Project 0.01817; TOPMed 0.01852; 1000 Genomes Project 30x 0.01889.
gnomAD v4.1: 2,439 of 151,930 alleles (1.6%); highest among the groups gnomAD compares: African/African-American, 5.6%; 72 homozygotes.

Submission:

GeneDx
Classification: Benign. Last evaluated: 2018-06-19. Review status: criteria provided, single submitter. Criteria: GeneDx Variant Classification (06012015). Collection method: clinical testing. Allele origin: germline. Affected: yes.
Comment: This variant is considered likely benign or benign based on one or more of the following criteria: it is a conservative change, it occurs at a poorly conserved position in the protein, it is predicted to be benign by multiple in silico algorithms, and/or has population frequency not consistent with disease.